The following is an entry in ClinVar:

NM_018063.5(HELLS):c.1681C>T (p.Gln561Ter)

Gene: HELLS (helicase, lymphoid specific; plus strand). Cytogenetic location: 10q23.33.
Variant type: single nucleotide variant.
Coding change: c.1681C>T on transcript NM_018063.5 (MANE Select); coding-DNA position 1681, C replaced by T.
Protein change: p.Gln561Ter; replaces glutamine 561 with a stop codon.
Molecular consequence: nonsense.
Genome position (GRCh38, 1-based): chr10:94,590,690, C>T. VCF-style: chr10-94590690-C-T. GRCh37 (hg19) VCF-style: chr10-96350447-C-T.
Other names: c.1819C>T, p.Gln607Ter (NM_001289067.2); c.1633C>T, p.Gln545Ter (NM_001289068.2); c.1585C>T, p.Gln529Ter (NM_001289069.2); c.1387C>T, p.Gln463Ter (NM_001289070.2); c.1309C>T, p.Gln437Ter (NM_001289071.2); c.1291C>T, p.Gln431Ter (NM_001289072.2); c.1267C>T, p.Gln423Ter (NM_001289073.2); c.598C>T, p.Gln200Ter (NM_001289074.2); and 1 more; short protein forms Q529*, Q545*, Q155*, Q200*, Q423*, Q607*, Q431*, Q463*.
Identifiers: ClinVar variation 2833635 (VCV002833635.3), dbSNP rs2493271796, ClinGen allele CA377666447.

ClinVar aggregate classification (germline): Pathogenic (1 of 4 stars; one submission).

Submission:

Labcorp Genetics (formerly Invitae), Labcorp
Classification: Pathogenic. Last evaluated: 2023-02-01. Review status: criteria provided, single submitter. Criteria: Invitae Variant Classification Sherloc (09022015). Collection method: clinical testing. Allele origin: germline.
Comment: For these reasons, this variant has been classified as Pathogenic. Algorithms developed to predict the effect of sequence changes on RNA splicing suggest that this variant may disrupt the consensus splice site. This variant has not been reported in the literature in individuals affected with HELLS-related conditions. This variant is not present in population databases (gnomAD no frequency). This sequence change creates a premature translational stop signal (p.Gln561*) in the HELLS gene. It is expected to result in an absent or disrupted protein product. Loss-of-function variants in HELLS are known to be pathogenic (PMID: 26216346).

Literature cited by the submitters: PubMed 26216346.